The following is an entry in ClinVar:

ClinVar aggregate classification (germline): Pathogenic/Likely pathogenic. Review status: criteria provided, multiple submitters, no conflicts (2 of 4 stars). 3 submissions from 3 submitters: Pathogenic (1); Likely pathogenic (2). Last evaluated 2025-10-29.

Conditions:
Pontocerebellar hypoplasia type 6 (PCH6). Identifiers: Orphanet 166073, MedGen C1969084, MONDO:0012683, OMIM 611523.

Allele frequency attached by ClinVar (database versions not stated): ExAC 0.00001.
gnomAD v4.1: 13 of 1,609,598 alleles (0.00081%); highest among the groups gnomAD compares: Middle Eastern, 0.018%; no homozygotes.

Submissions (3):

Natera, Inc.
Classification: Likely pathogenic for Pontocerebellar hypoplasia, type 6. Last evaluated: 2025-10-29. Review status: criteria provided, single submitter. Criteria: Natera Variant Classification Schema (03/2026). Collection method: clinical testing. Allele origin: germline.
Comment: The c.9C>A variant in RARS2 is a nonsense variant predicted to introduce a stop codon at amino acid 3. This variant is expected to result in nonsense mediated decay, truncation, or a dysfunctional protein product. This variant is rare in the general population with a frequency below the threshold expected for the associated phenotype(s). Given the available evidence, this variant is classified as Likely Pathogenic.

Labcorp Genetics (formerly Invitae), Labcorp
Classification: Pathogenic. Last evaluated: 2025-04-01. Review status: criteria provided, single submitter. Criteria: Invitae Variant Classification Sherloc (09022015). Collection method: clinical testing. Allele origin: germline.
Comment: This sequence change creates a premature translational stop signal (p.Cys3*) in the RARS2 gene. It is expected to result in an absent or disrupted protein product. Loss-of-function variants in RARS2 are known to be pathogenic (PMID: 17847012, 22569581, 26083569). The frequency data for this variant in the population databases is considered unreliable, as metrics indicate poor data quality at this position in the gnomAD database. This variant has not been reported in the literature in individuals affected with RARS2-related conditions. ClinVar contains an entry for this variant (Variation ID: 1075781). For these reasons, this variant has been classified as Pathogenic.

Baylor Genetics
Classification: Likely pathogenic for Pontocerebellar hypoplasia type 6. Last evaluated: 2024-02-29. Review status: criteria provided, single submitter. Criteria: ACMG Guidelines, 2015. Collection method: clinical testing. Allele origin: unknown.

Literature cited by the submitters: PubMed 17847012 (cited by Labcorp Genetics (formerly Invitae), Labcorp); PubMed 22569581 (cited by Labcorp Genetics (formerly Invitae), Labcorp); PubMed 26083569 (cited by Labcorp Genetics (formerly Invitae), Labcorp).

NM_020320.5(RARS2):c.9C>A (p.Cys3Ter)

Gene: RARS2 (arginyl-tRNA synthetase 2, mitochondrial; minus strand). Cytogenetic location: 6q15.
Variant type: single nucleotide variant.
Coding change: c.9C>A on transcript NM_020320.5 (MANE Select); coding-DNA position 9, C replaced by A.
Protein change: p.Cys3Ter; replaces cysteine 3 with a stop codon.
Molecular consequence: nonsense. On other transcripts: non-coding transcript variant (23), 5 prime UTR variant (7).
Genome position (GRCh38, 1-based): chr6:87,589,949, G>T on the plus strand (C>A on the coding strand, the complement: RARS2 is on the minus strand). VCF-style: chr6-87589949-G-T. GRCh37 (hg19) VCF-style: chr6-88299667-G-T.
Other names: c.9C>A (NM_020320.4); c.-682C>A (NM_001318785.2); c.9C>A, p.Cys3Ter (NM_001350505.2); c.-738C>A (NM_001350506.2, NM_001350510.2); c.-861C>A (NM_001350507.2); c.-900C>A (NM_001350508.2); c.-608C>A (NM_001350509.2); c.-857C>A (NM_001350511.2); short protein forms C3*.
Identifiers: ClinVar variation 1075781 (VCV001075781.10), dbSNP rs762495974, ClinGen allele CA3916854.
Genomic context (GRCh38, chr6:87,589,949, plus strand): 5'-CAGGGACTCCTCTGCGCGCTCCGGGATCCATACCTGGCAAGCAATAGCGCGGCGAAAGCC[G>T]CACGCCATGTCCACCTCTACGGAAGTGCGCCGCAGTCCGCCAGTTCCGGCCTCGCCCCAC-3'